The following is an entry in ClinVar:

ClinVar aggregate classification (germline): Likely benign. Review status: criteria provided, multiple submitters, no conflicts (2 of 4 stars). 6 submissions from 6 submitters: Likely benign (6). Last evaluated 2026-03-11.

Conditions:
Cardiovascular phenotype. Identifiers: MedGen CN230736.
DSP-related disorder. Also called: DSP-related condition; DSP-related disorders.
Cardiomyopathy, dilated, with wooly hair, keratoderma, and tooth agenesis. Also called: Cardiomyopathy, dilated, with woolly hair, keratoderma, and tooth agenesis; Erythrokeratodermia-cardiomyopathy syndrome. Identifiers: Orphanet 476096, Orphanet 65282, MedGen C4014393, MONDO:0014355, OMIM 615821.
Arrhythmogenic cardiomyopathy with wooly hair and keratoderma. Also called: PALMOPLANTAR KERATODERMA WITH LEFT VENTRICULAR CARDIOMYOPATHY AND WOOLLY HAIR; Carvajal syndrome; Dilated cardiomyopathy with woolly hair and keratoderma; Arrhythmogenic cardiomyopathy with woolly hair and keratoderma. Identifiers: Orphanet 65282, MedGen C1854063, MONDO:0011581, OMIM 605676.
Keratosis palmoplantaris striata 2. Also called: KERATODERMA, PALMOPLANTAR, STRIATE FORM II; STRIATE PALMOPLANTAR KERATODERMA II; Keratosis palmoplantaris striata II. Identifiers: MedGen C1852127, MONDO:0013034, OMIM 612908.
Arrhythmogenic right ventricular dysplasia 8 (ARVD8). Also called: Arrhythmogenic Right Ventricular Dysplasia/Cardiomyopathy 8; ARRHYTHMOGENIC RIGHT VENTRICULAR CARDIOMYOPATHY 8; ARRHYTHMOGENIC RIGHT VENTRICULAR DYSPLASIA, FAMILIAL, 8. Identifiers: MedGen C1843896, MONDO:0011831, OMIM 607450.
Woolly hair-skin fragility syndrome (WHSF). Identifiers: Orphanet 293165, MedGen C1843292, MONDO:0957307, OMIM 620415.
Lethal acantholytic epidermolysis bullosa (EBLA). Identifiers: Orphanet 158687, MedGen C1864826, MONDO:0012323, OMIM 609638.
Cardiomyopathy (CMYO). Also called: Cardiomyopathies. Identifiers: Orphanet 167848, MedGen C0878544, MONDO:0004994, HP:0001638. Inheritance: Various modes of inheritance.

Allele frequency attached by ClinVar (database versions not stated): gnomAD 0.00001; TOPMed 0.00002.

Submissions (6):

PreventionGenetics, part of Exact Sciences
Classification: Likely benign for DSP-related condition. Last evaluated: 2026-03-11. Review status: criteria provided, single submitter. Criteria: ACMG Guidelines, 2015. Collection method: clinical testing. Allele origin: germline.
Comment: This variant is classified as likely benign based on ACMG/AMP sequence variant interpretation guidelines (Richards et al. 2015 PMID: 25741868, with internal and published modifications).

Labcorp Genetics (formerly Invitae), Labcorp
Classification: Likely benign for Arrhythmogenic cardiomyopathy with wooly hair and keratoderma; Arrhythmogenic right ventricular dysplasia 8. Last evaluated: 2026-01-04. Review status: criteria provided, single submitter. Criteria: Invitae Variant Classification Sherloc (09022015). Collection method: clinical testing. Allele origin: germline.

Ambry Genetics
Classification: Likely benign for Cardiovascular phenotype. Last evaluated: 2025-05-06. Review status: criteria provided, single submitter. Criteria: Ambry Variant Classification Scheme 2023. Collection method: clinical testing. Allele origin: germline.

Fulgent Genetics
Classification: Likely benign for Arrhythmogenic cardiomyopathy with wooly hair and keratoderma; Arrhythmogenic right ventricular dysplasia 8; Lethal acantholytic epidermolysis bullosa; Keratosis palmoplantaris striata 2; Cardiomyopathy, dilated, with wooly hair, keratoderma, and tooth agenesis. Last evaluated: 2021-07-20. Review status: criteria provided, single submitter. Criteria: ACMG Guidelines, 2015. Collection method: clinical testing. Allele origin: unknown.

Color Diagnostics, LLC DBA Color Health
Classification: Likely benign for Cardiomyopathy. Last evaluated: 2020-02-25. Review status: criteria provided, single submitter. Criteria: ACMG Guidelines, 2015. Collection method: clinical testing. Allele origin: germline.

GeneDx
Classification: Likely benign. Last evaluated: 2018-07-09. Review status: criteria provided, single submitter. Criteria: GeneDx Variant Classification Process June 2021. Collection method: clinical testing. Allele origin: germline. Affected: yes.

NM_004415.4(DSP):c.6441C>A (p.Val2147=)

Gene: DSP (desmoplakin; plus strand). Cytogenetic location: 6p24.3.
Variant type: single nucleotide variant.
Coding change: c.6441C>A on transcript NM_004415.4 (MANE Select); coding-DNA position 6441, C replaced by A.
Protein change: p.Val2147=; no amino-acid change (valine 2147 retained).
Molecular consequence: synonymous variant.
Genome position (GRCh38, 1-based): chr6:7,583,703, C>A. VCF-style: chr6-7583703-C-A. GRCh37 (hg19) VCF-style: chr6-7583936-C-A.
Other names: c.4644C>A, p.Val1548= (NM_001008844.3); c.5112C>A, p.Val1704= (NM_001319034.2).
Identifiers: ClinVar variation 922114 (VCV000922114.15), dbSNP rs762513279, ClinGen allele CA047666.